The following is an entry in ClinVar:

NM_022124.6(CDH23):c.9087G>A (p.Gln3029=)

Gene: CDH23 (cadherin related 23; plus strand). Cytogenetic location: 10q22.1.
Variant type: single nucleotide variant.
Coding change: c.9087G>A on transcript NM_022124.6 (MANE Select); coding-DNA position 9087, G replaced by A.
Protein change: p.Gln3029=; no amino-acid change (glutamine 3029 retained).
Molecular consequence: synonymous variant.
Genome position (GRCh38, 1-based): chr10:71,811,324, G>A. VCF-style: chr10-71811324-G-A. GRCh37 (hg19) VCF-style: chr10-73571081-G-A.
Other names: c.2367G>A, p.Gln789= (NM_001171933.1, NM_001171934.1).
Identifiers: ClinVar variation 178312 (VCV000178312.17), dbSNP rs376098894, ClinGen allele CA182086.

ClinVar aggregate classification (germline): Conflicting classifications of pathogenicity. Review status: criteria provided, conflicting classifications (1 of 4 stars). 5 submissions from 5 submitters: Uncertain significance (1); Likely benign (4). Last evaluated 2026-01-23.

Conditions:
CDH23-related disorder. Also called: CDH23-related condition; CDH23-related disorders.

Allele frequency attached by ClinVar (database versions not stated): ExAC 0.00002; gnomAD exomes 0.00002 and 0.00005; ESP Exome Variant Server 0.00008; gnomAD 0.00025 and 0.00030; TOPMed 0.00028.
gnomAD v4.1: 72 of 1,613,762 alleles (0.0045%); highest among the groups gnomAD compares: African/African-American, 0.079%; no homozygotes.

Submissions (5):

Labcorp Genetics (formerly Invitae), Labcorp
Classification: Likely benign. Last evaluated: 2026-01-23. Review status: criteria provided, single submitter. Criteria: Invitae Variant Classification Sherloc (09022015). Collection method: clinical testing. Allele origin: germline.

PreventionGenetics, part of Exact Sciences
Classification: Likely benign for CDH23-related condition. Last evaluated: 2025-04-28. Review status: criteria provided, single submitter. Criteria: ACMG Guidelines, 2015. Collection method: clinical testing. Allele origin: germline.
Comment: This variant is classified as likely benign based on ACMG/AMP sequence variant interpretation guidelines (Richards et al. 2015 PMID: 25741868, with internal and published modifications).

GeneDx
Classification: Uncertain significance. Last evaluated: 2024-04-02. Review status: criteria provided, single submitter. Criteria: GeneDx Variant Classification Process June 2021. Collection method: clinical testing. Allele origin: germline. Affected: yes.
Comment: Has not been previously published as pathogenic or benign to our knowledge; In silico analysis is inconclusive as to whether the variant alters gene splicing. In the absence of RNA/functional studies, the actual effect of this sequence change is unknown.

Blueprint Genetics
Classification: Likely benign. Last evaluated: 2023-06-22. Review status: criteria provided, single submitter. Criteria: ACMG Guidelines, 2015. Collection method: clinical testing. Allele origin: germline.

Laboratory for Molecular Medicine, Mass General Brigham Personalized Medicine
Classification: Likely benign. Last evaluated: 2012-04-30. Review status: criteria provided, single submitter. Criteria: LMM Criteria. Collection method: clinical testing. Allele origin: germline. Observed: 1 variant allele.
Comment: Gln3029Gln in Exon 63 of CDH23: This variant is not expected to have clinical si gnificance because it does not alter an amino acid residue, is not located withi n the splice consensus sequence, and has been identified in 0.1% (2/3444) of Afr ican American chromosomes from a broad population by the NHLBI Exome Sequencing Project.